The following is an entry in ClinVar:

ClinVar aggregate classification (germline): Uncertain significance (1 of 4 stars; one submission).

Allele frequency attached by ClinVar (database versions not stated): TOPMed 0.00003; gnomAD 0.00004; gnomAD exomes 0.00006; ESP Exome Variant Server 0.00008; ExAC 0.00009; 1000 Genomes Project 30x 0.00031; 1000 Genomes Project 0.00040.
gnomAD v4.1: 87 of 1,614,138 alleles (0.0054%); highest among the groups gnomAD compares: Non-Finnish European, 0.0072%; no homozygotes.

Submission:

Labcorp Genetics (formerly Invitae), Labcorp
Classification: Uncertain significance. Last evaluated: 2022-09-15. Review status: criteria provided, single submitter. Criteria: Invitae Variant Classification Sherloc (09022015). Collection method: clinical testing. Allele origin: germline.
Comment: In summary, the available evidence is currently insufficient to determine the role of this variant in disease. Therefore, it has been classified as a Variant of Uncertain Significance. Algorithms developed to predict the effect of missense changes on protein structure and function are either unavailable or do not agree on the potential impact of this missense change (SIFT: "Tolerated"; PolyPhen-2: "Probably Damaging"; Align-GVGD: "Class C0"). This variant has not been reported in the literature in individuals affected with PROSER1-related conditions. This variant is present in population databases (rs138649285, gnomAD 0.01%). This sequence change replaces isoleucine, which is neutral and non-polar, with threonine, which is neutral and polar, at codon 337 of the PROSER1 protein (p.Ile337Thr).

NM_025138.5(PROSER1):c.1010T>C (p.Ile337Thr)

Gene: PROSER1 (proline and serine rich 1; minus strand). Cytogenetic location: 13q13.3.
Variant type: single nucleotide variant.
Coding change: c.1010T>C on transcript NM_025138.5 (MANE Select); coding-DNA position 1010, T replaced by C.
Protein change: p.Ile337Thr; replaces isoleucine 337 with threonine.
Molecular consequence: missense variant.
Genome position (GRCh38, 1-based): chr13:39,014,242, A>G on the plus strand (T>C on the coding strand, the complement: PROSER1 is on the minus strand). VCF-style: chr13-39014242-A-G. GRCh37 (hg19) VCF-style: chr13-39588379-A-G.
Other names: c.944T>C, p.Ile315Thr (NM_170719.4); short protein forms I315T, I337T.
Identifiers: ClinVar variation 2065480 (VCV002065480.2), dbSNP rs138649285, ClinGen allele CA6957167.